The following is an entry in ClinVar:

NM_000282.4(PCCA):c.978del (p.Ala326_Val327insTer)

Gene: PCCA (propionyl-CoA carboxylase subunit alpha; plus strand). Cytogenetic location: 13q32.3.
Variant type: Deletion.
Coding change: c.978del on transcript NM_000282.4 (MANE Select); coding-DNA position 978, one base deleted (A; older notation c.978delA).
Protein change: p.Ala326_Val327insTer.
Molecular consequence: frameshift variant. On other transcripts: non-coding transcript variant (5).
Genome position (GRCh38, 1-based): chr13:100,273,259, A deleted. VCF-style (leftmost placement, unchanged base first): chr13-100273258-CA-C. GRCh37 (hg19) VCF-style: chr13-100925512-CA-C.
Other names: c.900del, p.Ala300_Val301insTer (NM_001127692.3, NM_001352607.2, NM_001352608.2); c.978del, p.Ala326_Val327insTer (NM_001178004.2, NM_001352605.2, NM_001352606.2 and 1 more transcripts); c.33del, p.Ala11_Val12insTer (NM_001352610.2, NM_001352611.2, NM_001352612.2).
Identifiers: ClinVar variation 2838202 (VCV002838202.3), dbSNP rs2547977438, ClinGen allele CA2739277693.
Genomic context (GRCh38, chr13:100,273,258, plus strand): 5'-TTTTTTTGGATGCGGAGACTCGAAGAGCGATGGGAGAACAAGCTGTAGCTCTTGCCAGAG[CA>C]GTAAAATATTCCTCTGCTGGGACCGTGGAGTTCCTTGTGGACTCTAAGAAGAATTTTTAT-3'

ClinVar aggregate classification (germline): Pathogenic (1 of 4 stars; one submission).

Conditions:
Propionic acidemia (PROP). Also called: GLYCINEMIA, KETOTIC; HYPERGLYCINEMIA WITH KETOACIDOSIS AND LEUKOPENIA; KETOTIC HYPERGLYCINEMIA. Identifiers: Orphanet 35, MedGen C0268579, MONDO:0011628, OMIM 606054, HP:0003571.

Submission:

Labcorp Genetics (formerly Invitae), Labcorp
Classification: Pathogenic for Propionic acidemia. Last evaluated: 2023-02-16. Review status: criteria provided, single submitter. Criteria: Invitae Variant Classification Sherloc (09022015). Collection method: clinical testing. Allele origin: germline.
Comment: This variant is not present in population databases (gnomAD no frequency). This sequence change creates a premature translational stop signal (p.Val327*) in the PCCA gene. It is expected to result in an absent or disrupted protein product. Loss-of-function variants in PCCA are known to be pathogenic (PMID: 15464417). This variant has not been reported in the literature in individuals affected with PCCA-related conditions. For these reasons, this variant has been classified as Pathogenic.

Literature cited by the submitters: PubMed 15464417.